The following is an entry in ClinVar:

ClinVar aggregate classification (germline): Uncertain significance. Review status: criteria provided, multiple submitters, no conflicts (2 of 4 stars). 2 submissions from 2 submitters: Uncertain significance (2). Last evaluated 2022-08-20.

Conditions:
Inborn genetic diseases. Identifiers: MedGen C0950123, MeSH D030342.
Spastic paraplegia. Identifiers: MedGen C0037772, HP:0001258.

Allele frequency attached by ClinVar (database versions not stated): gnomAD exomes 0.00002; ExAC 0.00003; ESP Exome Variant Server 0.00008; TOPMed 0.00008; gnomAD 0.00009.
gnomAD v4.1: 38 of 1,613,418 alleles (0.0024%); highest among the groups gnomAD compares: African/African-American, 0.04%; no homozygotes.

Submissions (2):

Labcorp Genetics (formerly Invitae), Labcorp
Classification: Uncertain significance for Spastic paraplegia. Last evaluated: 2022-08-20. Review status: criteria provided, single submitter. Criteria: Invitae Variant Classification Sherloc (09022015). Collection method: clinical testing. Allele origin: germline.
Comment: In summary, the available evidence is currently insufficient to determine the role of this variant in disease. Therefore, it has been classified as a Variant of Uncertain Significance. Algorithms developed to predict the effect of missense changes on protein structure and function (SIFT, PolyPhen-2, Align-GVGD) all suggest that this variant is likely to be tolerated. ClinVar contains an entry for this variant (Variation ID: 1431070). This variant has not been reported in the literature in individuals affected with AP4E1-related conditions. This variant is present in population databases (rs376025300, gnomAD 0.03%). This sequence change replaces serine, which is neutral and polar, with phenylalanine, which is neutral and non-polar, at codon 817 of the AP4E1 protein (p.Ser817Phe).

Ambry Genetics
Classification: Uncertain significance for Inborn genetic diseases. Last evaluated: 2021-10-06. Review status: criteria provided, single submitter. Criteria: Ambry Variant Classification Scheme 2023. Collection method: clinical testing. Allele origin: germline.

NM_007347.5(AP4E1):c.2450C>T (p.Ser817Phe)

Gene: AP4E1 (adaptor related protein complex 4 subunit epsilon 1; plus strand). Cytogenetic location: 15q21.2.
Variant type: single nucleotide variant.
Coding change: c.2450C>T on transcript NM_007347.5 (MANE Select); coding-DNA position 2450, C replaced by T.
Protein change: p.Ser817Phe; replaces serine 817 with phenylalanine.
Molecular consequence: missense variant.
Genome position (GRCh38, 1-based): chr15:50,997,429, C>T. VCF-style: chr15-50997429-C-T. GRCh37 (hg19) VCF-style: chr15-51289626-C-T.
Other names: c.2225C>T, p.Ser742Phe (NM_001252127.2); c.2450C>T (NM_007347.3); short protein forms S742F, S817F.
Identifiers: ClinVar variation 1431070 (VCV001431070.7), dbSNP rs376025300, ClinGen allele CA7559331.